The following is an entry in ClinVar:

ClinVar aggregate classification (germline): Uncertain significance. Review status: criteria provided, multiple submitters, no conflicts (2 of 4 stars). 2 submissions from 2 submitters: Uncertain significance (2). Last evaluated 2025-03-22.

Allele frequency attached by ClinVar (database versions not stated): TOPMed 0.00001; ExAC 0.00002; gnomAD 0.00002; gnomAD exomes 0.00002.

Submissions (2):

Labcorp Genetics (formerly Invitae), Labcorp
Classification: Uncertain significance. Last evaluated: 2025-03-22. Review status: criteria provided, single submitter. Criteria: Invitae Variant Classification Sherloc (09022015). Collection method: clinical testing. Allele origin: germline.
Comment: This sequence change replaces arginine, which is basic and polar, with cysteine, which is neutral and slightly polar, at codon 235 of the PDE6B protein (p.Arg235Cys). This variant is present in population databases (rs749955507, gnomAD 0.01%). This variant has not been reported in the literature in individuals affected with PDE6B-related conditions. ClinVar contains an entry for this variant (Variation ID: 1495569). Invitae Evidence Modeling of protein sequence and biophysical properties (such as structural, functional, and spatial information, amino acid conservation, physicochemical variation, residue mobility, and thermodynamic stability) indicates that this missense variant is expected to disrupt PDE6B protein function with a positive predictive value of 95%. In summary, the available evidence is currently insufficient to determine the role of this variant in disease. Therefore, it has been classified as a Variant of Uncertain Significance.

Blueprint Genetics
Classification: Uncertain significance. Last evaluated: 2023-10-23. Review status: criteria provided, single submitter. Criteria: ACMG Guidelines, 2015. Collection method: clinical testing. Allele origin: germline.

NM_000283.4(PDE6B):c.703C>T (p.Arg235Cys)

Gene: PDE6B (phosphodiesterase 6B; plus strand). Cytogenetic location: 4p16.3.
Variant type: single nucleotide variant.
Coding change: c.703C>T on transcript NM_000283.4 (MANE Select); coding-DNA position 703, C replaced by T.
Protein change: p.Arg235Cys; replaces arginine 235 with cysteine.
Molecular consequence: missense variant.
Genome position (GRCh38, 1-based): chr4:635,961, C>T. VCF-style: chr4-635961-C-T. GRCh37 (hg19) VCF-style: chr4-629750-C-T.
Other names: c.703C>T, p.Arg235Cys (NM_001145291.2); short protein forms R235C.
Identifiers: ClinVar variation 1495569 (VCV001495569.9), dbSNP rs749955507, ClinGen allele CA2794061.